The following is an entry in ClinVar:

NC_000023.10:g.(?_149761067)_(149840078_?)del

Gene: MTM1 (myotubularin 1; plus strand). Cytogenetic location: Xq28.
Variant type: Deletion.
Identifiers: ClinVar variation 658991 (VCV000658991.2).

ClinVar aggregate classification (germline): Pathogenic (1 of 4 stars; one submission).

Conditions:
Severe X-linked myotubular myopathy (CNMX). Also called: MYOTUBULAR MYOPATHY 1; X-linked centronuclear myopathy; Myotubular myopathy, X-linked. Identifiers: Orphanet 596, MedGen C0410203, MONDO:0010683, OMIM 310400.

Submission:

Labcorp Genetics (formerly Invitae), Labcorp
Classification: Pathogenic for Severe X-linked myotubular myopathy. Last evaluated: 2019-11-04. Review status: criteria provided, single submitter. Criteria: Invitae Variant Classification Sherloc (09022015). Collection method: clinical testing. Allele origin: germline.
Comment: A gross deletion of the genomic region encompassing the full coding sequence of the MTM1 gene has been identified. The boundaries of this event are unknown as the deletion extends beyond the assayed region for this gene and therefore may encompass additional genes. This variant has been observed in individual(s) with myotubular myopathy (PMID: 10449925, 10449925, 15725586, 20434914). Loss-of-function variants in MTM1 are known to be pathogenic (PMID: 9305655, 10063835). For these reasons, this variant has been classified as Pathogenic.

Literature cited by the submitters: PubMed 15725586; PubMed 20434914; PubMed 10449925.